The following is an entry in ClinVar:

ClinVar aggregate classification (germline): Uncertain significance. Review status: criteria provided, multiple submitters, no conflicts (2 of 4 stars). 2 submissions from 2 submitters: Uncertain significance (2). Last evaluated 2024-04-20.

Conditions:
Inborn genetic diseases. Identifiers: MedGen C0950123, MeSH D030342.

Allele frequency attached by ClinVar (database versions not stated): ExAC 0.00004; ESP Exome Variant Server 0.00009; TOPMed 0.00009; gnomAD 0.00010; gnomAD exomes 0.00014; 1000 Genomes Project 30x 0.00016.
gnomAD v4.1: 220 of 1,580,944 alleles (0.014%); highest among the groups gnomAD compares: Non-Finnish European, 0.018%; no homozygotes.

Submissions (2):

Ambry Genetics
Classification: Uncertain significance for Inborn genetic diseases. Last evaluated: 2024-04-20. Review status: criteria provided, single submitter. Criteria: Ambry Variant Classification Scheme 2023. Collection method: clinical testing. Allele origin: germline.

Labcorp Genetics (formerly Invitae), Labcorp
Classification: Uncertain significance. Last evaluated: 2022-04-29. Review status: criteria provided, single submitter. Criteria: Invitae Variant Classification Sherloc (09022015). Collection method: clinical testing. Allele origin: germline.
Comment: This sequence change replaces serine, which is neutral and polar, with asparagine, which is neutral and polar, at codon 1580 of the APC2 protein (p.Ser1580Asn). This variant is present in population databases (rs372563885, gnomAD 0.01%). This variant has not been reported in the literature in individuals affected with APC2-related conditions. Algorithms developed to predict the effect of missense changes on protein structure and function are either unavailable or do not agree on the potential impact of this missense change (SIFT: "Deleterious"; PolyPhen-2: "Possibly Damaging"; Align-GVGD: "Class C0"). In summary, the available evidence is currently insufficient to determine the role of this variant in disease. Therefore, it has been classified as a Variant of Uncertain Significance.

NM_005883.3(APC2):c.4739G>A (p.Ser1580Asn)

Gene: APC2 (APC regulator of WNT signaling pathway 2; plus strand). Cytogenetic location: 19p13.3.
Variant type: single nucleotide variant.
Coding change: c.4739G>A on transcript NM_005883.3 (MANE Select); coding-DNA position 4739, G replaced by A.
Protein change: p.Ser1580Asn; replaces serine 1580 with asparagine.
Molecular consequence: missense variant.
Genome position (GRCh38, 1-based): chr19:1,468,040, G>A. VCF-style: chr19-1468040-G-A. GRCh37 (hg19) VCF-style: chr19-1468039-G-A.
Other names: c.4736G>A, p.Ser1579Asn (NM_001351273.1); c.4739G>A (NM_005883.2); short protein forms S1580N, S1579N.
Identifiers: ClinVar variation 2071331 (VCV002071331.2), dbSNP rs372563885, ClinGen allele CA9045907.